The following is an entry in ClinVar:

ClinVar aggregate classification (germline): Uncertain significance (1 of 4 stars; one submission).

Submission:

GeneDx
Classification: Uncertain significance. Last evaluated: 2023-07-26. Review status: criteria provided, single submitter. Criteria: GeneDx Variant Classification Process June 2021. Collection method: clinical testing. Allele origin: germline. Affected: yes.
Comment: Not observed at significant frequency in large population cohorts (gnomAD); In silico analysis supports that this missense variant does not alter protein structure/function; Has not been previously published as pathogenic or benign to our knowledge

NM_001085049.3(MRAS):c.413G>A (p.Arg138Lys)

Gene: MRAS (muscle RAS oncogene homolog; plus strand). Cytogenetic location: 3q22.3.
Variant type: single nucleotide variant.
Coding change: c.413G>A on transcript NM_001085049.3 (MANE Select); coding-DNA position 413, G replaced by A.
Protein change: p.Arg138Lys; replaces arginine 138 with lysine.
Molecular consequence: missense variant.
Genome position (GRCh38, 1-based): chr3:138,398,534, G>A. VCF-style: chr3-138398534-G-A. GRCh37 (hg19) VCF-style: chr3-138117376-G-A.
Other names: c.413G>A, p.Arg138Lys (NM_001252090.2, NM_012219.4); c.185G>A, p.Arg62Lys (NM_001252091.1, NM_001252092.2, NM_001252093.2); short protein forms R138K, R62K.
Identifiers: ClinVar variation 3361322 (VCV003361322.1).